The following is an entry in ClinVar:

ClinVar aggregate classification (germline): Uncertain significance (1 of 4 stars; one submission).

Conditions:
BRCA2-related cancer predisposition. Identifiers: MedGen CN377758, MONDO:0700269.

Submission:

All of Us Research Program, National Institutes of Health
Classification: Uncertain significance for BRCA2-related cancer predisposition. Last evaluated: 2024-08-23. Review status: criteria provided, single submitter. Criteria: ACMG Guidelines, 2015. Collection method: clinical testing. Allele origin: germline. Inheritance: Autosomal dominant inheritance. Observed: 1 variant allele, 1 heterozygote.
Comment: This missense variant replaces histidine with aspartic acid at codon 1561 of the BRCA2 protein. Computational prediction suggests that this variant may not impact protein structure and function. To our knowledge, functional studies have not been reported for this variant. This variant has not been reported in individuals affected with BRCA2-related disorders in the literature. This variant has not been identified in the general population by the Genome Aggregation Database (gnomAD). The available evidence is insufficient to determine the role of this variant in disease conclusively. Therefore, this variant is classified as a Variant of Uncertain Significance.

This study involves interpretation of variants in research participants for the purpose of population health screening. Participant phenotype was not available at the time of variant classification. Additional details can be found in publication PMID: 35346344, PMCID: PMC8962531

NM_000059.4(BRCA2):c.4681C>G (p.His1561Asp)

Gene: BRCA2 (BRCA2 DNA repair associated; plus strand). Cytogenetic location: 13q13.1.
Variant type: single nucleotide variant.
Coding change: c.4681C>G on transcript NM_000059.4 (MANE Select); coding-DNA position 4681, C replaced by G.
Protein change: p.His1561Asp; replaces histidine 1561 with aspartic acid.
Molecular consequence: missense variant. On other transcripts: non-coding transcript variant (1), intron variant (2).
Genome position (GRCh38, 1-based): chr13:32,339,036, C>G. VCF-style: chr13-32339036-C-G. GRCh37 (hg19) VCF-style: chr13-32913173-C-G.
Other names: c.4681C>G, p.His1561Asp (NM_001406719.1, NM_001406720.1, NM_001432077.1); c.1910-5522C>G (NM_001406721.1); c.425-5522C>G (NM_001406722.1); short protein forms H1561D.
Identifiers: ClinVar variation 3386248 (VCV003386248.1).